The following is an entry in ClinVar:

ClinVar aggregate classification (germline): Likely pathogenic (1 of 4 stars; one submission).

Submission:

Mayo Clinic Laboratories, Mayo Clinic
Classification: Likely pathogenic. Last evaluated: 2024-05-07. Review status: criteria provided, single submitter. Criteria: ACMG Guidelines, 2015. Collection method: clinical testing. Allele origin: germline. Observed: 1 variant allele.
Comment: PP3, PM2, PM3, PS3

Literature cited by the submitters: PubMed 27353947; PubMed 28766925; PubMed 37469134; PubMed 38055060; PubMed 38405817.

NM_014053.4(FLVCR1):c.479T>C (p.Leu160Pro)

Gene: FLVCR1 (FLVCR choline and heme transporter 1; plus strand). Cytogenetic location: 1q32.3.
Variant type: single nucleotide variant.
Coding change: c.479T>C on transcript NM_014053.4 (MANE Select); coding-DNA position 479, T replaced by C.
Protein change: p.Leu160Pro; replaces leucine 160 with proline.
Molecular consequence: missense variant.
Genome position (GRCh38, 1-based): chr1:212,858,931, T>C. VCF-style: chr1-212858931-T-C. GRCh37 (hg19) VCF-style: chr1-213032273-T-C.
Other names: p.Leu160Pro; short protein forms L160P.
Identifiers: ClinVar variation 3381102 (VCV003381102.1).